The following is an entry in ClinVar:

NM_001134831.2(AHI1):c.286G>A (p.Val96Ile)

Gene: AHI1 (Abelson helper integration site 1; minus strand). Cytogenetic location: 6q23.3.
Variant type: single nucleotide variant.
Coding change: c.286G>A on transcript NM_001134831.2 (MANE Select); coding-DNA position 286, G replaced by A.
Protein change: p.Val96Ile; replaces valine 96 with isoleucine.
Molecular consequence: missense variant.
Genome position (GRCh38, 1-based): chr6:135,466,277, C>T on the plus strand (G>A on the coding strand, the complement: AHI1 is on the minus strand). VCF-style: chr6-135466277-C-T. GRCh37 (hg19) VCF-style: chr6-135787415-C-T.
Other names: c.286G>A, p.Val96Ile (NM_001134830.2, NM_001134832.2, NM_001350503.2 and 2 more transcripts); short protein forms V96I.
Identifiers: ClinVar variation 1421736 (VCV001421736.6), dbSNP rs2128098755, ClinGen allele CA365752122.

ClinVar aggregate classification (germline): Uncertain significance (1 of 4 stars; one submission).

Conditions:
Joubert syndrome. Also called: CEREBELLOPARENCHYMAL DISORDER IV; JOUBERT-BOLTSHAUSER SYNDROME; Familial aplasia of the vermis. Identifiers: Orphanet 475, MedGen C5979921, MONDO:0018772.

Submission:

Labcorp Genetics (formerly Invitae), Labcorp
Classification: Uncertain significance for Joubert syndrome. Last evaluated: 2022-02-04. Review status: criteria provided, single submitter. Criteria: Invitae Variant Classification Sherloc (09022015). Collection method: clinical testing. Allele origin: germline.
Comment: In summary, the available evidence is currently insufficient to determine the role of this variant in disease. Therefore, it has been classified as a Variant of Uncertain Significance. Advanced modeling of protein sequence and biophysical properties (such as structural, functional, and spatial information, amino acid conservation, physicochemical variation, residue mobility, and thermodynamic stability) performed at Invitae indicates that this missense variant is not expected to disrupt AHI1 protein function. This variant has not been reported in the literature in individuals affected with AHI1-related conditions. This variant is not present in population databases (gnomAD no frequency). This sequence change replaces valine, which is neutral and non-polar, with isoleucine, which is neutral and non-polar, at codon 96 of the AHI1 protein (p.Val96Ile).